The following is an entry in ClinVar:

NM_004544.4(NDUFA10):c.76-140del

Gene: NDUFA10 (NADH:ubiquinone oxidoreductase subunit A10; minus strand). Cytogenetic location: 2q37.3.
Variant type: Deletion.
Coding change: c.76-140del on transcript NM_004544.4 (MANE Select); 140 bases into the intron before coding-DNA position 76, one base deleted (C; older notation c.76-140delC).
Molecular consequence: intron variant.
Genome position (GRCh38, 1-based): chr2:240,022,480, G deleted on the plus strand (C on the coding strand, the reverse complement: NDUFA10 is on the minus strand). VCF-style (leftmost placement, unchanged base first): chr2-240022479-TG-T. GRCh37 (hg19) VCF-style: chr2-240961896-TG-T.
Other names: c.76-140del (NM_001322020.2, NM_001322019.2).
Identifiers: ClinVar variation 676768 (VCV000676768.1), dbSNP rs139662598, ClinGen allele CA68070779.

ClinVar aggregate classification (germline): Benign (1 of 4 stars; one submission).

Allele frequency attached by ClinVar (database versions not stated): gnomAD exomes 0.00405; gnomAD 0.03966 and 0.04261; 1000 Genomes Project 0.04293; TOPMed 0.04576; 1000 Genomes Project 30x 0.04778.

Submission:

GeneDx
Classification: Benign. Last evaluated: 2018-06-14. Review status: criteria provided, single submitter. Criteria: GeneDx Variant Classification (06012015). Collection method: clinical testing. Allele origin: germline. Affected: yes.
Comment: This variant is considered likely benign or benign based on one or more of the following criteria: it is a conservative change, it occurs at a poorly conserved position in the protein, it is predicted to be benign by multiple in silico algorithms, and/or has population frequency not consistent with disease.